The following is an entry in ClinVar:

NM_001386140.1(MTTP):c.1236+1G>T

Gene: MTTP (microsomal triglyceride transfer protein; plus strand). Cytogenetic location: 4q23.
Variant type: single nucleotide variant.
Coding change: c.1236+1G>T on transcript NM_001386140.1 (MANE Select); the canonical splice donor site of the intron after coding-DNA position 1236, G replaced by T.
Molecular consequence: splice donor variant.
Genome position (GRCh38, 1-based): chr4:99,600,734, G>T. VCF-style: chr4-99600734-G-T. GRCh37 (hg19) VCF-style: chr4-100521891-G-T.
Other names: c.1236+1G>T (NM_000253.4); c.987+1G>T (NM_001300785.2).
Identifiers: ClinVar variation 2031225 (VCV002031225.4), dbSNP rs762781522, ClinGen allele CA16020710.

ClinVar aggregate classification (germline): Pathogenic (1 of 4 stars; one submission).

Submission:

Labcorp Genetics (formerly Invitae), Labcorp
Classification: Pathogenic. Last evaluated: 2022-09-19. Review status: criteria provided, single submitter. Criteria: Invitae Variant Classification Sherloc (09022015). Collection method: clinical testing. Allele origin: germline.
Comment: For these reasons, this variant has been classified as Pathogenic. Studies have shown that disruption of this splice site alters mRNA splicing and is expected to lead to the loss of protein expression (PMID: 23043934). Disruption of this splice site has been observed in individual(s) with MTTP-related conditions (PMID: 23043934). This variant is not present in population databases (gnomAD no frequency). This sequence change affects a donor splice site in intron 10 of the MTTP gene. It is expected to disrupt RNA splicing. Variants that disrupt the donor or acceptor splice site typically lead to a loss of protein function (PMID: 16199547), and loss-of-function variants in MTTP are known to be pathogenic (PMID: 8533758, 9671739).

Literature cited by the submitters: PubMed 23043934; PubMed 16199547; PubMed 8533758; PubMed 9671739.